The following is an entry in ClinVar:

NM_001374736.1(DST):c.1976T>C (p.Val659Ala)

Gene: DST (dystonin; minus strand). Cytogenetic location: 6p12.1.
Variant type: single nucleotide variant.
Coding change: c.1976T>C on transcript NM_001374736.1 (MANE Select); coding-DNA position 1976, T replaced by C.
Protein change: p.Val659Ala; replaces valine 659 with alanine.
Molecular consequence: missense variant.
Genome position (GRCh38, 1-based): chr6:56,641,998, A>G on the plus strand (T>C on the coding strand, the complement: DST is on the minus strand). VCF-style: chr6-56641998-A-G. GRCh37 (hg19) VCF-style: chr6-56506796-A-G.
Other names: c.1877T>C, p.Val626Ala (NM_001144769.5); c.1463T>C, p.Val488Ala (NM_001144770.2); c.1976T>C, p.Val659Ala (NM_001374722.1); c.1343T>C, p.Val448Ala (NM_001374729.1, NM_001374730.1, NM_001386100.1 and 1 more transcripts); c.2003T>C, p.Val668Ala (NM_001374734.1); c.365T>C, p.Val122Ala (NM_001723.7, NM_015548.5); c.365T>C (NM_001723.5); short protein forms V659A, V122A, V488A, V668A, V448A, V626A.
Identifiers: ClinVar variation 1508251 (VCV001508251.4), dbSNP rs373037345, ClinGen allele CA3871520.

ClinVar aggregate classification (germline): Uncertain significance. Review status: criteria provided, multiple submitters, no conflicts (2 of 4 stars). 2 submissions from 2 submitters: Uncertain significance (2). Last evaluated 2025-05-21.

Conditions:
Hereditary sensory and autonomic neuropathy type 6. Also called: Neuropathy, hereditary sensory and autonomic, type VI; HSAN VI. Identifiers: Orphanet 314381, MedGen C3539003, MONDO:0013839, OMIM 614653.
Epidermolysis bullosa simplex 3, localized or generalized intermediate, with BP230 deficiency (EBS3). Also called: Epidermolysis bullosa simplex due to BP230 deficiency; Epidermolysis bullosa simplex, autosomal recessive 2. Identifiers: Orphanet 412181, MedGen C3809470, MONDO:0014180, OMIM 615425.

Allele frequency attached by ClinVar (database versions not stated): gnomAD 0.00001; TOPMed 0.00001; ESP Exome Variant Server 0.00008.
gnomAD v4.1: 21 of 1,613,364 alleles (0.0013%); highest among the groups gnomAD compares: Non-Finnish European, 0.0018%; no homozygotes.

Submissions (2):

GeneDx
Classification: Uncertain significance. Last evaluated: 2025-05-21. Review status: criteria provided, single submitter. Criteria: GeneDx Variant Classification Process June 2021. Collection method: clinical testing. Allele origin: germline. Affected: yes.
Comment: Not observed at significant frequency in large population cohorts (gnomAD); In silico analysis suggests that this missense variant does not alter protein structure/function; Has not been previously published as pathogenic or benign to our knowledge; Reported using the transcript encoding the epithelial isoform of the gene

Labcorp Genetics (formerly Invitae), Labcorp
Classification: Uncertain significance for Epidermolysis bullosa simplex 3, localized or generalized intermediate, with BP230 deficiency; Hereditary sensory and autonomic neuropathy type 6. Last evaluated: 2022-01-23. Review status: criteria provided, single submitter. Criteria: Invitae Variant Classification Sherloc (09022015). Collection method: clinical testing. Allele origin: germline.
Comment: This sequence change replaces valine, which is neutral and non-polar, with alanine, which is neutral and non-polar, at codon 122 of the DST protein (p.Val122Ala). This variant is present in population databases (rs373037345, gnomAD 0.003%). This variant has not been reported in the literature in individuals affected with DST-related conditions. Algorithms developed to predict the effect of missense changes on protein structure and function (SIFT, PolyPhen-2, Align-GVGD) all suggest that this variant is likely to be tolerated. In summary, the available evidence is currently insufficient to determine the role of this variant in disease. Therefore, it has been classified as a Variant of Uncertain Significance.